The following is an entry in ClinVar:

NM_032656.4(DHX37):c.405G>A (p.Val135=)

Gene: DHX37 (DEAH-box helicase 37; minus strand). Cytogenetic location: 12q24.31.
Variant type: single nucleotide variant.
Coding change: c.405G>A on transcript NM_032656.4 (MANE Select); coding-DNA position 405, G replaced by A.
Protein change: p.Val135=; no amino-acid change (valine 135 retained).
Molecular consequence: synonymous variant.
Genome position (GRCh38, 1-based): chr12:124,980,823, C>T on the plus strand (G>A on the coding strand, the complement: DHX37 is on the minus strand). VCF-style: chr12-124980823-C-T. GRCh37 (hg19) VCF-style: chr12-125465369-C-T.
Identifiers: ClinVar variation 2672533 (VCV002672533.23), dbSNP rs1237104945, ClinGen allele CA482457609.

ClinVar aggregate classification (germline): Likely benign (1 of 4 stars; one submission).

Allele frequency attached by ClinVar (database versions not stated): gnomAD exomes below 0.00001; gnomAD 0.00001; TOPMed 0.00001.
gnomAD v4.1: 4 of 1,553,928 alleles (0.00026%); highest among the groups gnomAD compares: Non-Finnish European, 0.00035%; no homozygotes.

Submission:

CeGaT Center for Human Genetics Tuebingen
Classification: Likely benign. Last evaluated: 2023-11-01. Review status: criteria provided, single submitter. Criteria: CeGaT Center For Human Genetics Tuebingen Variant Classification Criteria Version 2. Collection method: clinical testing. Allele origin: germline. Affected: yes. Observed: 1 variant allele.
Comment: DHX37: BP4, BP7